The following is an entry in ClinVar:

NM_004999.4(MYO6):c.2472T>G (p.Ile824Met)

Gene: MYO6 (myosin VI; plus strand). Cytogenetic location: 6q14.1.
Variant type: single nucleotide variant.
Coding change: c.2472T>G on transcript NM_004999.4 (MANE Select); coding-DNA position 2472, T replaced by G.
Protein change: p.Ile824Met; replaces isoleucine 824 with methionine.
Molecular consequence: missense variant. On other transcripts: non-coding transcript variant (1).
Genome position (GRCh38, 1-based): chr6:75,886,059, T>G. VCF-style: chr6-75886059-T-G. GRCh37 (hg19) VCF-style: chr6-76595776-T-G.
Other names: c.2472T>G, p.Ile824Met (NM_001300899.2, NM_001368136.1, NM_001368137.1 and 2 more transcripts); c.2457T>G, p.Ile819Met (NM_001368138.1); short protein forms I824M, I819M.
Identifiers: ClinVar variation 45143 (VCV000045143.22), dbSNP rs368132510, ClinGen allele CA135607.

ClinVar aggregate classification (germline): Uncertain significance. Review status: criteria provided, multiple submitters, no conflicts (2 of 4 stars). 6 submissions from 6 submitters: Uncertain significance (5). 1 of the submissions does not count toward it. Last evaluated 2025-12-16.

Conditions:
MYO6-related disorder. Also called: MYO6-related condition; MYO6-related disorders.
Inborn genetic diseases. Identifiers: MedGen C0950123, MeSH D030342.

Allele frequency attached by ClinVar (database versions not stated): ESP Exome Variant Server 0.00008; gnomAD 0.00012 and 0.00014; TOPMed 0.00022.
gnomAD v4.1: 45 of 1,612,818 alleles (0.0028%); highest among the groups gnomAD compares: African/African-American, 0.052%; no homozygotes.

Submissions (6):

Ambry Genetics
Classification: Uncertain significance for Inborn genetic diseases. Last evaluated: 2025-12-16. Review status: criteria provided, single submitter. Criteria: Ambry Variant Classification Scheme 2023. Collection method: clinical testing. Allele origin: germline.

GeneDx
Classification: Uncertain significance. Last evaluated: 2020-07-06. Review status: criteria provided, single submitter. Criteria: GeneDx Variant Classification Process June 2021. Collection method: clinical testing. Allele origin: germline. Affected: yes.
Comment: In silico analysis supports that this missense variant does not alter protein structure/function; Has not been previously published as pathogenic or benign to our knowledge

ARUP Laboratories, Molecular Genetics and Genomics, ARUP Laboratories
Classification: Uncertain significance. Last evaluated: 2017-10-20. Review status: criteria provided, single submitter. Criteria: ARUP Molecular Germline Variant Investigation Process. Collection method: clinical testing. Allele origin: germline.
Comment: The p.Ile824Met variant (rs368132510) has not been reported in the medical literature, nor has it been previously identified in our laboratory. The p.Ile824Met variant is listed in the Genome Aggregation Database (gnomAD) browser with an allele frequency of 0.037% in the African population (identified in 9 out of 24,008 chromosomes), and is classified as a variant of uncertain significance in ClinVar (Variant ID: 45143). The isoleucine at codon 824 is moderately conserved considering 13 species (Alamut software v2.10.0), and computational analyses predict conflicting effects of this variant on protein structure/function (SIFT: tolerated, PolyPhen2: benign, MutationTaster: disease causing). Based on the available information, the clinical significance of the p.Ile824Met variant cannot be determined with certainty.

Eurofins Ntd Llc (ga)
Classification: Uncertain significance. Last evaluated: 2017-05-15. Review status: criteria provided, single submitter. Criteria: EGL Classification Definitions 2015. Collection method: clinical testing. Allele origin: germline. Observed: 1 variant allele, 1 heterozygote.

Laboratory for Molecular Medicine, Mass General Brigham Personalized Medicine
Classification: Uncertain significance. Last evaluated: 2011-04-15. Review status: criteria provided, single submitter. Criteria: LMM Criteria. Collection method: clinical testing. Allele origin: germline. Observed: 1 variant allele.
Comment: Variant classified as Uncertain Significance - Favor Benign. The Ile824Met varia nt in MYO6 has not been reported in the literature nor previously identified by our laboratory. This residue is not highly conserved in mammals and computationa l analyses (PolyPhen2, SIFT, AlignGVGD) do not suggest a high likelihood of impa ct to the protein. However, this information is not predictive enough to rule ou t pathogenicity. In summary, the clinical significance of this variant cannot be determined with certainty at this time; however based upon the arguments descri bed above, we would lean towards a more likely benign role.

PreventionGenetics, part of Exact Sciences
Classification: Uncertain significance for MYO6-related condition. Last evaluated: 2024-03-11. Review status: no assertion criteria provided. Collection method: clinical testing. Allele origin: germline. Not counted in ClinVar's aggregate classification.
Comment: The MYO6 c.2472T>G variant is predicted to result in the amino acid substitution p.Ile824Met. To our knowledge, this variant has not been reported in the literature. This variant is reported in 0.040% of alleles in individuals of African descent in gnomAD. At this time, the clinical significance of this variant is uncertain due to the absence of conclusive functional and genetic evidence.